The following is an entry in ClinVar:

ClinVar aggregate classification (germline): Uncertain significance (1 of 4 stars; one submission).

Conditions:
EAST syndrome (SESAMES). Also called: SEIZURES, SENSORINEURAL DEAFNESS, ATAXIA, IMPAIRED INTELLECTUAL DEVELOPMENT, AND ELECTROLYTE IMBALANCE. Identifiers: Orphanet 199343, MedGen C2748572, MONDO:0013005, OMIM 612780.

Allele frequency attached by ClinVar (database versions not stated): gnomAD exomes below 0.00001; TOPMed below 0.00001; gnomAD 0.00001.
gnomAD v4.1: 2 of 1,612,052 alleles (0.00012%); highest among the groups gnomAD compares: Admixed American, 0.0033%; no homozygotes.

Submission:

Labcorp Genetics (formerly Invitae), Labcorp
Classification: Uncertain significance for EAST syndrome. Last evaluated: 2023-07-17. Review status: criteria provided, single submitter. Criteria: Invitae Variant Classification Sherloc (09022015). Collection method: clinical testing. Allele origin: germline.
Comment: In summary, the available evidence is currently insufficient to determine the role of this variant in disease. Therefore, it has been classified as a Variant of Uncertain Significance. Advanced modeling of protein sequence and biophysical properties (such as structural, functional, and spatial information, amino acid conservation, physicochemical variation, residue mobility, and thermodynamic stability) performed at Invitae indicates that this missense variant is not expected to disrupt KCNJ10 protein function. ClinVar contains an entry for this variant (Variation ID: 948757). This variant has not been reported in the literature in individuals affected with KCNJ10-related conditions. This variant is present in population databases (no rsID available, gnomAD 0.003%). This sequence change replaces valine, which is neutral and non-polar, with glycine, which is neutral and non-polar, at codon 112 of the KCNJ10 protein (p.Val112Gly).

NM_002241.5(KCNJ10):c.335T>G (p.Val112Gly)

Gene: KCNJ10 (potassium inwardly rectifying channel subfamily J member 10; minus strand). Cytogenetic location: 1q23.2.
Variant type: single nucleotide variant.
Coding change: c.335T>G on transcript NM_002241.5 (MANE Select); coding-DNA position 335, T replaced by G.
Protein change: p.Val112Gly; replaces valine 112 with glycine.
Molecular consequence: missense variant.
Genome position (GRCh38, 1-based): chr1:160,042,198, A>C on the plus strand (T>G on the coding strand, the complement: KCNJ10 is on the minus strand). VCF-style: chr1-160042198-A-C. GRCh37 (hg19) VCF-style: chr1-160011988-A-C.
Other names: short protein forms V112G.
Identifiers: ClinVar variation 948757 (VCV000948757.10), dbSNP rs1216507118, ClinGen allele CA343228381.
Genomic context (GRCh38, chr1:160,042,198, plus strand): 5'-CCATAGCCAATGGTGGTTTGGGATTCAAGGGAGAAGAGGAAGGCTCCAGTGAGTGTGTGC[A>C]CCTGTACCACACAGGGGGTGTGGTTGGCCGGGGGGTCCAGCTCCAGCAGGTCCCCATGTG-3'
Protein context (NP_002232.2, residues 102-122): PANHTPCVVQ[Val112Gly]HTLTGAFLFS